The following is an entry in ClinVar:

NM_020778.5(ALPK3):c.4431G>A (p.Met1477Ile)

Gene: ALPK3 (alpha kinase 3; plus strand). Cytogenetic location: 15q25.3.
Variant type: single nucleotide variant.
Coding change: c.4431G>A on transcript NM_020778.5 (MANE Select); coding-DNA position 4431, G replaced by A.
Protein change: p.Met1477Ile; replaces methionine 1477 with isoleucine.
Molecular consequence: missense variant.
Genome position (GRCh38, 1-based): chr15:84,863,572, G>A. VCF-style: chr15-84863572-G-A. GRCh37 (hg19) VCF-style: chr15-85406803-G-A.
Other names: short protein forms M1477I.
Identifiers: ClinVar variation 1449175 (VCV001449175.9), dbSNP rs1473386110, ClinGen allele CA393363694.

ClinVar aggregate classification (germline): Uncertain significance. Review status: criteria provided, multiple submitters, no conflicts (2 of 4 stars). 2 submissions from 2 submitters: Uncertain significance (2). Last evaluated 2026-01-08.

Conditions:
Cardiovascular phenotype. Identifiers: MedGen CN230736.

Allele frequency attached by ClinVar (database versions not stated): gnomAD exomes below 0.00001; TOPMed below 0.00001; gnomAD 0.00001.

Submissions (2):

Labcorp Genetics (formerly Invitae), Labcorp
Classification: Uncertain significance. Last evaluated: 2026-01-08. Review status: criteria provided, single submitter. Criteria: Invitae Variant Classification Sherloc (09022015). Collection method: clinical testing. Allele origin: germline.
Comment: This sequence change replaces methionine, which is neutral and non-polar, with isoleucine, which is neutral and non-polar, at codon 1679 of the ALPK3 protein (p.Met1679Ile). This variant is present in population databases (no rsID available, gnomAD 0.003%). This variant has not been reported in the literature in individuals affected with ALPK3-related conditions. ClinVar contains an entry for this variant (Variation ID: 1449175). Invitae Evidence Modeling of protein sequence and biophysical properties (such as structural, functional, and spatial information, amino acid conservation, physicochemical variation, residue mobility, and thermodynamic stability) indicates that this missense variant is expected to disrupt ALPK3 protein function with a positive predictive value of 80%. In summary, the available evidence is currently insufficient to determine the role of this variant in disease. Therefore, it has been classified as a Variant of Uncertain Significance.

Ambry Genetics
Classification: Uncertain significance for Cardiovascular phenotype. Last evaluated: 2024-05-22. Review status: criteria provided, single submitter. Criteria: Ambry Variant Classification Scheme 2023. Collection method: clinical testing. Allele origin: germline.
Comment: The p.M1679I variant (also known as c.5037G>A), located in coding exon 11 of the ALPK3 gene, results from a G to A substitution at nucleotide position 5037. The methionine at codon 1679 is replaced by isoleucine, an amino acid with highly similar properties. This amino acid position is not well conserved in available vertebrate species. In addition, this alteration is predicted to be tolerated by in silico analysis. Since supporting evidence is limited at this time, the clinical significance of this alteration remains unclear.